The following is an entry in ClinVar:

ClinVar aggregate classification (germline): Benign/Likely benign. Review status: criteria provided, multiple submitters, no conflicts (2 of 4 stars). 4 submissions from 4 submitters: Benign (3); Likely benign (1). Last evaluated 2026-01-28.

Conditions:
Methylmalonic acidemia with homocystinuria, type cblJ (MAHCJ). Also called: METHYLMALONIC ACIDURIA AND HOMOCYSTINURIA, cblJ TYPE. Identifiers: Orphanet 369955, MedGen C3553915, MONDO:0013925, OMIM 614857.

Allele frequency attached by ClinVar (database versions not stated): ExAC 0.00283; gnomAD 0.00886 and 0.00937; gnomAD exomes 0.00088 and 0.00228; ESP Exome Variant Server 0.00984; TOPMed 0.01038; 1000 Genomes Project 30x 0.01156; 1000 Genomes Project 0.01178.
gnomAD v4.1: 2,701 of 1,613,738 alleles (0.17%); highest among the groups gnomAD compares: African/African-American, 3.1%; 45 homozygotes.

Submissions (4):

Labcorp Genetics (formerly Invitae), Labcorp
Classification: Benign for Methylmalonic acidemia with homocystinuria, type cblJ. Last evaluated: 2026-01-28. Review status: criteria provided, single submitter. Criteria: Invitae Variant Classification Sherloc (09022015). Collection method: clinical testing. Allele origin: germline.

Fulgent Genetics
Classification: Likely benign for Methylmalonic acidemia with homocystinuria, type cblJ. Last evaluated: 2021-11-23. Review status: criteria provided, single submitter. Criteria: ACMG Guidelines, 2015. Collection method: clinical testing. Allele origin: unknown.

GeneDx
Classification: Benign. Last evaluated: 2016-03-22. Review status: criteria provided, single submitter. Criteria: GeneDx Variant Classification (06012015). Collection method: clinical testing. Allele origin: germline. Affected: yes.
Comment: This variant is considered likely benign or benign based on one or more of the following criteria: it is a conservative change, it occurs at a poorly conserved position in the protein, it is predicted to be benign by multiple in silico algorithms, and/or has population frequency not consistent with disease.

Breakthrough Genomics
Classification: Benign. Review status: criteria provided, single submitter. Criteria: ACMG Guidelines, 2015. Collection method: not provided. Allele origin: germline. Inheritance: Autosomal recessive inheritance. Affected: yes.

NM_005050.4(ABCD4):c.195T>C (p.Ser65=)

Gene: ABCD4 (ATP binding cassette subfamily D member 4; minus strand). Cytogenetic location: 14q24.3.
Variant type: single nucleotide variant.
Coding change: c.195T>C on transcript NM_005050.4 (MANE Select); coding-DNA position 195, T replaced by C.
Protein change: p.Ser65=; no amino-acid change (serine 65 retained).
Molecular consequence: synonymous variant. On other transcripts: 5 prime UTR variant (10), non-coding transcript variant (6), intron variant (9).
Genome position (GRCh38, 1-based): chr14:74,299,638, A>G on the plus strand (T>C on the coding strand, the complement: ABCD4 is on the minus strand). VCF-style: chr14-74299638-A-G. GRCh37 (hg19) VCF-style: chr14-74766341-A-G.
Other names: c.195T>C, p.Ser65= (NM_001353591.2, NM_001353592.2, NM_020325.3); c.-67T>C (NM_001353593.2, NM_001353594.2); c.-215T>C (NM_001353595.2); c.-143T>C (NM_001353599.2, NM_020324.3); c.-495T>C (NM_001353602.2); c.-500T>C (NM_001353605.2, NM_001353609.2, NM_001353610.2); c.-355T>C (NM_001353608.2); c.-409-1569T>C (NM_001353607.2); and 6 more.
Identifiers: ClinVar variation 383495 (VCV000383495.14), dbSNP rs35417609, ClinGen allele CA7267303.
Genomic context (GRCh38, chr14:74,299,638, plus strand): 5'-CAGGAATGTCAGAGTCTTAAACCCTTCCAAGTCTTTGTTTCCCAGGACCCCATAGTACTG[A>G]CTGGGGATCAAGCCAACCTGGTAGATCACAAATTGCTCTGAAAGGAGGGAGAGGAGTAAG-3'
Protein context (NP_005041.1, residues 55-75): FVIYQVGLIP[Ser65=]QYYGVLGNKD